The following is an entry in ClinVar:

ClinVar aggregate classification (germline): Likely pathogenic. Review status: criteria provided, multiple submitters, no conflicts (2 of 4 stars). 2 submissions from 2 submitters: Likely pathogenic (2). Last evaluated 2023-08-02.

Conditions:
Hereditary cancer-predisposing syndrome. Also called: Tumor predisposition; Neoplastic Syndromes, Hereditary; Hereditary Cancer Syndrome; Hereditary neoplastic syndrome. Identifiers: Orphanet 140162, MedGen C0027672, MeSH D009386, MONDO:0015356.
Ataxia-telangiectasia syndrome (AT). Also called: LOUIS-BAR SYNDROME; Cerebello-oculocutaneous telangiectasia; Immunodeficiency with ataxia telangiectasia; Ataxia-telangiectasia, complementation group D; AT, COMPLEMENTATION GROUP C; ATAXIA-TELANGIECTASIA, COMPLEMENTATION GROUP A. Identifiers: Orphanet 100, MedGen C0004135, MONDO:0008840, OMIM 208900.

Submissions (2):

Labcorp Genetics (formerly Invitae), Labcorp
Classification: Likely pathogenic for Ataxia-telangiectasia syndrome. Last evaluated: 2023-08-02. Review status: criteria provided, single submitter. Criteria: Invitae Variant Classification Sherloc (09022015). Collection method: clinical testing. Allele origin: germline.
Comment: In summary, the currently available evidence indicates that the variant is pathogenic, but additional data are needed to prove that conclusively. Therefore, this variant has been classified as Likely Pathogenic. Algorithms developed to predict the effect of sequence changes on RNA splicing suggest that this variant may disrupt the consensus splice site. ClinVar contains an entry for this variant (Variation ID: 1780434). This variant has not been reported in the literature in individuals affected with ATM-related conditions. This variant is not present in population databases (gnomAD no frequency). This sequence change affects an acceptor splice site in intron 11 of the ATM gene. It is expected to disrupt RNA splicing. Variants that disrupt the donor or acceptor splice site typically lead to a loss of protein function (PMID: 16199547), and loss-of-function variants in ATM are known to be pathogenic (PMID: 23807571, 25614872).

Ambry Genetics
Classification: Likely pathogenic for Hereditary cancer-predisposing syndrome. Last evaluated: 2021-08-13. Review status: criteria provided, single submitter. Criteria: Ambry Variant Classification Scheme 2023. Collection method: clinical testing. Allele origin: germline.
Comment: The c.1803-1G>A intronic variant results from a G to A substitution one nucleotide upstream from coding exon 11 of the ATM gene. This nucleotide position is highly conserved in available vertebrate species. In silico splice site analysis predicts that this alteration will weaken the native splice acceptor site and will result in the creation or strengthening of a novel splice acceptor site. RNA studies have demonstrated that this alteration results in abnormal splicing in the set of samples tested (Ambry internal data). Alterations that disrupt the canonical splice site are expected to cause aberrant splicing, resulting in an abnormal protein or a transcript that is subject to nonsense-mediated mRNA decay. Based on the majority of available evidence to date, this variant is likely to be pathogenic.

Literature cited by the submitters: PubMed 16199547 (cited by Labcorp Genetics (formerly Invitae), Labcorp); PubMed 23807571 (cited by Labcorp Genetics (formerly Invitae), Labcorp); PubMed 25614872 (cited by Labcorp Genetics (formerly Invitae), Labcorp).

NM_000051.4(ATM):c.1803-1G>A

Gene: ATM (ATM serine/threonine kinase; plus strand). Cytogenetic location: 11q22.3.
Variant type: single nucleotide variant.
Coding change: c.1803-1G>A on transcript NM_000051.4 (MANE Select); the canonical splice acceptor site of the intron before coding-DNA position 1803, G replaced by A.
Molecular consequence: splice acceptor variant.
Genome position (GRCh38, 1-based): chr11:108,252,816, G>A. VCF-style: chr11-108252816-G-A. GRCh37 (hg19) VCF-style: chr11-108123543-G-A.
Other names: c.1803-1G>A (NM_001351834.2).
Identifiers: ClinVar variation 1780434 (VCV001780434.5), dbSNP rs2135352415, ClinGen allele CA382535668.
Genomic context (GRCh38, chr11:108,252,816, plus strand): 5'-TTAAAGTATTCTTTACATGGCTTTTGGTCTTCTAAGTGAAGCTTTTTGTTTTTCTTTGTA[G>A]TAATTTTCCTCATCTTGTACTGGAGAAAATTCTTGTGAGTCTCACTATGAAAAACTGTAA-3'